The following is an entry in ClinVar:

ClinVar aggregate classification (germline): Pathogenic/Likely pathogenic. Review status: criteria provided, multiple submitters, no conflicts (2 of 4 stars). 3 submissions from 3 submitters: Pathogenic (1); Likely pathogenic (2). Last evaluated 2024-05-15.

Conditions:
Fanconi anemia (FA). Also called: Fanconi's anemia. Identifiers: Orphanet 84, MedGen C0015625, MeSH D005199, MONDO:0019391.
Fanconi anemia complementation group A (FANCA). Also called: FANCA-Related Fanconi Anemia; Fanconi anemia, group A. Identifiers: Orphanet 84, MedGen C3469521, MONDO:0009215, OMIM 227650.

Submissions (3):

Fulgent Genetics
Classification: Likely pathogenic for Fanconi anemia complementation group A. Last evaluated: 2024-05-15. Review status: criteria provided, single submitter. Criteria: ACMG Guidelines, 2015. Collection method: clinical testing. Allele origin: germline.

Baylor Genetics
Classification: Likely pathogenic for Fanconi anemia complementation group A. Last evaluated: 2023-06-22. Review status: criteria provided, single submitter. Criteria: ACMG Guidelines, 2015. Collection method: clinical testing. Allele origin: unknown.

Labcorp Genetics (formerly Invitae), Labcorp
Classification: Pathogenic for Fanconi anemia. Last evaluated: 2022-02-08. Review status: criteria provided, single submitter. Criteria: Invitae Variant Classification Sherloc (09022015). Collection method: clinical testing. Allele origin: germline.
Comment: This sequence change creates a premature translational stop signal (Gln952Alafs*10) in the FANCA gene. It is expected to result in an absent or disrupted protein product. Loss-of-function variants in FANCA are known to be pathogenic (PMID: 19367192). For these reasons, this variant has been classified as Pathogenic. Algorithms developed to predict the effect of sequence changes on RNA splicing suggest that this variant may disrupt the consensus splice site. This variant has not been reported in the literature in individuals affected with FANCA-related conditions. This variant is not present in population databases (gnomAD no frequency).

Literature cited by the submitters: PubMed 19367192 (cited by Labcorp Genetics (formerly Invitae), Labcorp).

NM_000135.4(FANCA):c.2852+1dup

Gene: FANCA (FA complementation group A; minus strand). Cytogenetic location: 16q24.3.
Variant type: Duplication.
Coding change: c.2852+1dup on transcript NM_000135.4 (MANE Select); the canonical splice donor site of the intron after coding-DNA position 2852, one base duplicated (G; older notation c.2852+1dupG).
Molecular consequence: splice donor variant.
Genome position (GRCh38, 1-based): chr16:89,761,948, C duplicated on the plus strand (G on the coding strand, the reverse complement: FANCA is on the minus strand); the first of 2 consecutive C bases (chr16:89,761,948-89,761,949); duplicating either gives the same sequence. VCF-style (leftmost placement, unchanged base first): chr16-89761947-A-AC. GRCh37 (hg19) VCF-style: chr16-89828355-A-AC.
Other names: c.2852+1dup (NM_001286167.3).
Identifiers: ClinVar variation 2145973 (VCV002145973.6), dbSNP rs1424006580, ClinGen allele CA725764708.